The following is an entry in ClinVar:

NM_005327.7(HADH):c.291G>T (p.Leu97=)

Gene: HADH (hydroxyacyl-CoA dehydrogenase; plus strand). Cytogenetic location: 4q25.
Variant type: single nucleotide variant.
Coding change: c.291G>T on transcript NM_005327.7 (MANE Select); coding-DNA position 291, G replaced by T.
Protein change: p.Leu97=; no amino-acid change (leucine 97 retained).
Molecular consequence: synonymous variant.
Genome position (GRCh38, 1-based): chr4:108,014,460, G>T. VCF-style: chr4-108014460-G-T. GRCh37 (hg19) VCF-style: chr4-108935616-G-T.
Other names: c.291G>T, p.Leu97= (NM_001184705.4); c.303G>T, p.Leu101= (NM_001331027.2).
Identifiers: ClinVar variation 347134 (VCV000347134.14), dbSNP rs552317372, ClinGen allele CA3037422.

ClinVar aggregate classification (germline): Benign/Likely benign. Review status: criteria provided, multiple submitters, no conflicts (2 of 4 stars). 2 submissions from 2 submitters: Benign (1); Likely benign (1). Last evaluated 2025-11-12.

Conditions:
Hyperinsulinemic hypoglycemia. Also called: Hyperinsulinemia hypoglycemia; Hyperinsulinemic hypoglycemia (disease). Identifiers: Orphanet 443095, MedGen C1864903, MONDO:0005803, HP:0000825.
Deficiency of 3-hydroxyacyl-CoA dehydrogenase. Also called: HADH DEFICIENCY; 3-hydroxyacyl-CoA dehydrogenase deficiency. Identifiers: Orphanet 309127, Orphanet 71212, MedGen C1291230, MONDO:0017715, OMIM 231530.

Allele frequency attached by ClinVar (database versions not stated): gnomAD below 0.00001 and 0.00007; TOPMed 0.00003; gnomAD exomes 0.00015 and 0.00035; 1000 Genomes Project 30x 0.00016; 1000 Genomes Project 0.00020; ExAC 0.00033.

Submissions (2):

Labcorp Genetics (formerly Invitae), Labcorp
Classification: Likely benign for Deficiency of 3-hydroxyacyl-CoA dehydrogenase. Last evaluated: 2025-11-12. Review status: criteria provided, single submitter. Criteria: Invitae Variant Classification Sherloc (09022015). Collection method: clinical testing. Allele origin: germline.

Clinical Genomics, Uppaluri K&H Personalized Medicine Clinic
Classification: Benign for Hyperinsulinemic hypoglycemia. Review status: criteria provided, single submitter. Criteria: K & H Uppaluri Personalized Medicine Clinic Variant Classification & Assertion Criteria_Updated V.1. Collection method: research. Allele origin: unknown. Inheritance: Autosomal recessive inheritance.
Comment: Potent mutations in HADH gene are associated with congenital hyperinsulinism, which leads to recurrent hypoglycemia. The condition is exacerbated by stress, fasting or excessive dietary protein. May respond well to diazoxide. However, the role of this particular variant rs552317372 in congenital hyperinsulinism is yet to be ascertained.

Literature cited by the submitters: PubMed 34547194 (cited by Clinical Genomics, Uppaluri K&H Personalized Medicine Clinic); PubMed 34055426 (cited by Clinical Genomics, Uppaluri K&H Personalized Medicine Clinic); PubMed 29280746 (cited by Clinical Genomics, Uppaluri K&H Personalized Medicine Clinic).